The following is an entry in ClinVar:

ClinVar aggregate classification (germline): Uncertain significance (1 of 4 stars; one submission).

Conditions:
Hypercalcemia, infantile, 2 (HCINF2). Identifiers: Orphanet 300547, MedGen C4310473, MONDO:0014851, OMIM 616963.

Submission:

Victorian Clinical Genetics Services, Murdoch Childrens Research Institute
Classification: Uncertain significance for Hypercalcemia, infantile, 2. Last evaluated: 2022-06-24. Review status: criteria provided, single submitter. Criteria: ACMG Guidelines, 2015. Collection method: clinical testing. Allele origin: germline. Inheritance: Autosomal recessive inheritance. Affected: yes.
Comment: Based on the classification scheme VCGS_Germline_v1.3.4, this variant is classified as VUS-3B. Following criteria are met: 0102 - Loss of function is a known mechanism of disease in this gene and is associated with infantile hypercalcaemia, 2 (MIM#616963) and nephrolithiasis/osteoporosis, hypophosphatemic, 1 (MIM#612286). (I) 0108 - This gene is associated with both recessive and dominant disease. There is currently no established genotype-phenotype correlation in terms of variant types or location. Some authors have hypothesised that autosomal recessive is associated with an earlier age of onset (PMID: 31188746). (I) 0212 - Non-canonical splice site variant without proven consequence on splicing (no functional evidence available). (SP) 0251 - This variant is heterozygous. (I) 0304 - Variant is present in gnomAD (v2) <0.01 for a condition (2 heterozygotes, 0 homozygotes). (SP) 0311 - Another deletion within the deleted region is present in gnomAD (v2) (2 heterozygotes, 0 homozygotes). (SB) 0508 - In silico predictions for abnormal splicing are conflicting. (I) 0705 - No comparable splice site variants have previous evidence for pathogenicity. (I) 0807 - This variant has no previous evidence of pathogenicity. (I) 0905 - No published segregation evidence has been identified for this variant. (I) 1007 - No published functional evidence has been identified for this variant. (I) 1208 - Inheritance information for this variant is not currently available in this individual. (I) Legend: (SP) - Supporting pathogenic, (I) - Information, (SB) - Supporting benign

Literature cited by the submitters: PubMed 31188746.

NM_003052.5(SLC34A1):c.1007-13_1007-5del

Gene: SLC34A1 (solute carrier family 34 member 1; plus strand). Cytogenetic location: 5q35.3.
Variant type: Deletion.
Coding change: c.1007-13_1007-5del on transcript NM_003052.5 (MANE Select); 13 bases into the intron before coding-DNA position 1007 through 5 bases into the intron before coding-DNA position 1007, 9 bases deleted (CCACCCCCT; older notation c.1007-13_1007-5delCCACCCCCT).
Molecular consequence: intron variant.
Genome position (GRCh38, 1-based): chr5:177,394,015-177,394,023, CCACCCCCT deleted; deleting any 9 consecutive bases within chr5:177,394,013-177,394,023 gives the same sequence; the c. name uses the placement nearest the transcript's 3' end. VCF-style (leftmost placement, unchanged base first): chr5-177394012-GCTCCACCCC-G. GRCh37 (hg19) VCF-style: chr5-176821013-GCTCCACCCC-G.
Identifiers: ClinVar variation 3377517 (VCV003377517.1).